The following is an entry in ClinVar:

ClinVar aggregate classification (germline): Uncertain significance (1 of 4 stars; one submission).

Allele frequency attached by ClinVar (database versions not stated): TOPMed below 0.00001; gnomAD 0.00001.
gnomAD v4.1: 2 of 1,613,874 alleles (0.00012%); highest among the groups gnomAD compares: Admixed American, 0.0033%; no homozygotes.

Submission:

Labcorp Genetics (formerly Invitae), Labcorp
Classification: Uncertain significance. Last evaluated: 2021-11-10. Review status: criteria provided, single submitter. Criteria: Invitae Variant Classification Sherloc (09022015). Collection method: clinical testing. Allele origin: germline.
Comment: This sequence change replaces glutamic acid, which is acidic and polar, with lysine, which is basic and polar, at codon 142 of the KRT5 protein (p.Glu142Lys). This variant is not present in population databases (gnomAD no frequency). This variant has not been reported in the literature in individuals affected with KRT5-related conditions. Algorithms developed to predict the effect of missense changes on protein structure and function are either unavailable or do not agree on the potential impact of this missense change (SIFT: "Deleterious"; PolyPhen-2: "Benign"; Align-GVGD: "Class C55"). In summary, the available evidence is currently insufficient to determine the role of this variant in disease. Therefore, it has been classified as a Variant of Uncertain Significance.

NM_000424.4(KRT5):c.424G>A (p.Glu142Lys)

Gene: KRT5 (keratin 5; minus strand). Cytogenetic location: 12q13.13.
Variant type: single nucleotide variant.
Coding change: c.424G>A on transcript NM_000424.4 (MANE Select); coding-DNA position 424, G replaced by A.
Protein change: p.Glu142Lys; replaces glutamic acid 142 with lysine.
Molecular consequence: missense variant.
Genome position (GRCh38, 1-based): chr12:52,519,873, C>T on the plus strand (G>A on the coding strand, the complement: KRT5 is on the minus strand). VCF-style: chr12-52519873-C-T. GRCh37 (hg19) VCF-style: chr12-52913657-C-T.
Other names: short protein forms E142K.
Identifiers: ClinVar variation 1380735 (VCV001380735.3), dbSNP rs776798169, ClinGen allele CA384929291.